The following is an entry in ClinVar:

NM_020376.4(PNPLA2):c.32C>T (p.Ser11Leu)

Genes: PNPLA2 (patatin like domain 2, triacylglycerol lipase; plus strand), LOC130005097 (ATAC-STARR-seq lymphoblastoid silent region 3036; plus strand). Cytogenetic location: 11p15.5.
Variant type: single nucleotide variant.
Coding change: c.32C>T on transcript NM_020376.4 (MANE Select); coding-DNA position 32, C replaced by T.
Protein change: p.Ser11Leu; replaces serine 11 with leucine.
Molecular consequence: missense variant.
Genome position (GRCh38, 1-based): chr11:819,750, C>T. VCF-style: chr11-819750-C-T. GRCh37 (hg19) VCF-style: chr11-819750-C-T.
Other names: short protein forms S11L.
Identifiers: ClinVar variation 977522 (VCV000977522.22), dbSNP rs868742399, ClinGen allele CA378976335.

ClinVar aggregate classification (germline): Likely pathogenic. Review status: criteria provided, single submitter (1 of 4 stars). 2 submissions from 2 submitters: Likely pathogenic (1). 1 of the submissions does not count toward it. Last evaluated 2021-07-10.

Conditions:
Neutral lipid storage myopathy (NLSDM). Also called: NEUTRAL LIPID STORAGE DISEASE WITHOUT ICHTHYOSIS. Identifiers: Orphanet 98908, MedGen C1853136, MONDO:0012545, OMIM 610717.
Abnormality of the musculature. Identifiers: MedGen C4021745, HP:0003011.

Allele frequency attached by ClinVar (database versions not stated): gnomAD exomes below 0.00001.

Submissions (2):

Kariminejad - Najmabadi Pathology & Genetics Center
Classification: Likely pathogenic for Abnormality of the musculature. Last evaluated: 2021-07-10. Review status: criteria provided, single submitter. Criteria: ACMG Guidelines, 2015. Collection method: clinical testing. Allele origin: germline. Affected: yes.

Neuromuscular Department, Shariati Hospital, Tehran University of Medical Sciences
Classification: Likely pathogenic for Neutral lipid storage myopathy. Last evaluated: 2020-04-03. Review status: no assertion criteria provided. Collection method: clinical testing. Allele origin: germline. Affected: yes. Observed: 1 variant allele. Not counted in ClinVar's aggregate classification.
Comment: The electromyography was myopathic. The CK was 2110 IU/L and the muscle biopsy revealed lipid droplets in Oil Red Oil staining and few rimmed vacuoles. Peripheral blood smear indicated a Jordan anomaly.